The following is an entry in ClinVar:

NC_000020.10:g.(?_52773718)_(52790118_?)del

Gene: CYP24A1 (cytochrome P450 family 24 subfamily A member 1; minus strand). Cytogenetic location: 20q13.2.
Variant type: Deletion.
Identifiers: ClinVar variation 3248320 (VCV003248320.1).

ClinVar aggregate classification (germline): Pathogenic (1 of 4 stars; one submission).

Submission:

Labcorp Genetics (formerly Invitae), Labcorp
Classification: Pathogenic. Last evaluated: 2023-05-08. Review status: criteria provided, single submitter. Criteria: Invitae Variant Classification Sherloc (09022015). Collection method: clinical testing. Allele origin: unknown.
Comment: For these reasons, this variant has been classified as Pathogenic. This variant has not been reported in the literature in individuals affected with CYP24A1-related conditions. A gross deletion of the genomic region encompassing the full coding sequence of the CYP24A1 gene has been identified. Loss-of-function variants in CYP24A1 are known to be pathogenic (PMID: 21675912). The boundaries of this event are unknown as they extend beyond the assayed region for this gene and therefore may encompass additional genes.

Literature cited by the submitters: PubMed 21675912.